The following is an entry in ClinVar:

NM_020442.6(VARS2):c.2736G>A (p.Val912=)

Gene: VARS2 (valyl-tRNA synthetase 2, mitochondrial; plus strand). Cytogenetic location: 6p21.33.
Variant type: single nucleotide variant.
Coding change: c.2736G>A on transcript NM_020442.6 (MANE Select); coding-DNA position 2736, G replaced by A.
Protein change: p.Val912=; no amino-acid change (valine 912 retained).
Molecular consequence: synonymous variant.
Genome position (GRCh38, 1-based): chr6:30,925,336, G>A. VCF-style: chr6-30925336-G-A. GRCh37 (hg19) VCF-style: chr6-30893113-G-A.
Other names: c.2316G>A, p.Val772= (NM_001167733.3); c.2826G>A, p.Val942= (NM_001167734.2).
Identifiers: ClinVar variation 3370060 (VCV003370060.1).

ClinVar aggregate classification (germline): Uncertain significance (1 of 4 stars; one submission).

Submission:

GeneDx
Classification: Uncertain significance. Last evaluated: 2023-12-26. Review status: criteria provided, single submitter. Criteria: GeneDx Variant Classification Process June 2021. Collection method: clinical testing. Allele origin: germline. Affected: yes.
Comment: Not observed at significant frequency in large population cohorts (gnomAD); Has not been previously published as pathogenic or benign to our knowledge; In silico analysis suggests this variant may impact gene splicing. In the absence of RNA/functional studies, the actual effect of this sequence change is unknown.